The following is an entry in ClinVar:

ClinVar aggregate classification (germline): Uncertain significance. Review status: criteria provided, multiple submitters, no conflicts (2 of 4 stars). 2 submissions from 2 submitters: Uncertain significance (2). Last evaluated 2022-05-31.

Conditions:
Hereditary spastic paraplegia 11. Also called: Spastic paraplegia, mental retardation and thin corpus callosum; Nakamura Osame syndrome; Autosomal recessive hereditary spastic paraplegia, mental impairment, and thin corpus callosum; SPASTIC PARAPLEGIA, AUTOSOMAL RECESSIVE, COMPLICATED, WITH THIN CORPUS CALLOSUM; SPASTIC PARAPLEGIA, AUTOSOMAL RECESSIVE, WITH MENTAL IMPAIRMENT AND THIN CORPUS CALLOSUM; Spastic Paraplegia 11. Identifiers: Orphanet 2822, MedGen C1858479, MONDO:0011445, OMIM 604360.

Allele frequency attached by ClinVar (database versions not stated): gnomAD 0.00001; gnomAD exomes 0.00001.
gnomAD v4.1: 16 of 1,614,098 alleles (0.00099%); highest among the groups gnomAD compares: South Asian, 0.0088%; no homozygotes.

Submissions (2):

Labcorp Genetics (formerly Invitae), Labcorp
Classification: Uncertain significance for Hereditary spastic paraplegia 11. Last evaluated: 2022-05-31. Review status: criteria provided, single submitter. Criteria: Invitae Variant Classification Sherloc (09022015). Collection method: clinical testing. Allele origin: germline.
Comment: This sequence change replaces isoleucine, which is neutral and non-polar, with threonine, which is neutral and polar, at codon 1240 of the SPG11 protein (p.Ile1240Thr). This variant is present in population databases (rs770843397, gnomAD 0.01%). This variant has not been reported in the literature in individuals affected with SPG11-related conditions. ClinVar contains an entry for this variant (Variation ID: 466525). Algorithms developed to predict the effect of missense changes on protein structure and function (SIFT, PolyPhen-2, Align-GVGD) all suggest that this variant is likely to be tolerated. In summary, the available evidence is currently insufficient to determine the role of this variant in disease. Therefore, it has been classified as a Variant of Uncertain Significance.

Blueprint Genetics
Classification: Uncertain significance. Last evaluated: 2021-10-29. Review status: criteria provided, single submitter. Criteria: ACMG Guidelines, 2015. Collection method: clinical testing. Allele origin: germline.

NM_025137.4(SPG11):c.3719T>C (p.Ile1240Thr)

Gene: SPG11 (SPG11 vesicle trafficking associated, spatacsin; minus strand). Cytogenetic location: 15q21.1.
Variant type: single nucleotide variant.
Coding change: c.3719T>C on transcript NM_025137.4 (MANE Select); coding-DNA position 3719, T replaced by C.
Protein change: p.Ile1240Thr; replaces isoleucine 1240 with threonine.
Molecular consequence: missense variant.
Genome position (GRCh38, 1-based): chr15:44,598,804, A>G on the plus strand (T>C on the coding strand, the complement: SPG11 is on the minus strand). VCF-style: chr15-44598804-A-G. GRCh37 (hg19) VCF-style: chr15-44891002-A-G.
Other names: c.3719T>C, p.Ile1240Thr (NM_001160227.2); short protein forms I1240T.
Identifiers: ClinVar variation 466525 (VCV000466525.7), dbSNP rs770843397, ClinGen allele CA270092832.